The following is an entry in ClinVar:

ClinVar aggregate classification (germline): Uncertain significance (1 of 4 stars; one submission).

Submission:

Labcorp Genetics (formerly Invitae), Labcorp
Classification: Uncertain significance. Last evaluated: 2025-08-19. Review status: criteria provided, single submitter. Criteria: Invitae Variant Classification Sherloc (09022015). Collection method: clinical testing. Allele origin: germline.
Comment: This sequence change replaces glutamic acid, which is acidic and polar, with aspartic acid, which is acidic and polar, at codon 1017 of the EFL1 protein (p.Glu1017Asp). This variant is not present in population databases (gnomAD no frequency). This variant has not been reported in the literature in individuals affected with EFL1-related conditions. Invitae Evidence Modeling of protein sequence and biophysical properties (such as structural, functional, and spatial information, amino acid conservation, physicochemical variation, residue mobility, and thermodynamic stability) indicates that this missense variant is not expected to disrupt EFL1 protein function with a negative predictive value of 80%. In summary, the available evidence is currently insufficient to determine the role of this variant in disease. Therefore, it has been classified as a Variant of Uncertain Significance.

NM_024580.6(EFL1):c.3051A>C (p.Glu1017Asp)

Gene: EFL1 (elongation factor like GTPase 1; minus strand). Cytogenetic location: 15q25.2.
Variant type: single nucleotide variant.
Coding change: c.3051A>C on transcript NM_024580.6 (MANE Select); coding-DNA position 3051, A replaced by C.
Protein change: p.Glu1017Asp; replaces glutamic acid 1017 with aspartic acid.
Molecular consequence: missense variant. On other transcripts: non-coding transcript variant (1).
Genome position (GRCh38, 1-based): chr15:82,138,781, T>G on the plus strand (A>C on the coding strand, the complement: EFL1 is on the minus strand). VCF-style: chr15-82138781-T-G. GRCh37 (hg19) VCF-style: chr15-82431122-T-G.
Other names: c.2898A>C, p.Glu966Asp (NM_001040610.3); c.2262A>C, p.Glu754Asp (NM_001322844.2); c.3051A>C, p.Glu1017Asp (NM_001322845.2); short protein forms E966D, E1017D, E754D.
Identifiers: ClinVar variation 4744955 (VCV004744955.1).